The following is an entry in ClinVar:

ClinVar aggregate classification (germline): Conflicting classifications of pathogenicity. Review status: criteria provided, conflicting classifications (1 of 4 stars). 2 submissions from 2 submitters: Uncertain significance (1); Benign (1). Last evaluated 2026-08-01.

Allele frequency attached by ClinVar (database versions not stated): gnomAD 0.00282 and 0.00317; ESP Exome Variant Server 0.00285; TOPMed 0.00292; 1000 Genomes Project 0.00359; 1000 Genomes Project 30x 0.00359; gnomAD exomes 0.00420.
gnomAD v4.1: 5,782 of 1,394,170 alleles (0.41%); highest among the groups gnomAD compares: Middle Eastern, 1.7%; 44 homozygotes.

Submissions (2):

CeGaT Center for Human Genetics Tuebingen
Classification: Benign. Last evaluated: 2026-08-01. Review status: criteria provided, single submitter. Criteria: CeGaT Center For Human Genetics Tuebingen Variant Classification Criteria Version 2. Collection method: clinical testing. Allele origin: germline. Affected: yes. Observed: 12 variant alleles.
Comment: LDB3: BS1, BS2

Breakthrough Genomics
Classification: Uncertain significance. Review status: criteria provided, single submitter. Criteria: ACMG Guidelines, 2015. Collection method: not provided. Allele origin: germline. Inheritance: Autosomal dominant inheritance. Affected: yes.

NM_007078.3(LDB3):c.-23-32C>A

Gene: LDB3 (LIM domain binding 3; plus strand). Cytogenetic location: 10q23.2.
Variant type: single nucleotide variant.
Coding change: c.-23-32C>A on transcript NM_007078.3 (MANE Select); 32 bases into the intron before 23 bases upstream of the start codon, C replaced by A.
Molecular consequence: intron variant. On other transcripts: 5 prime UTR variant (1).
Genome position (GRCh38, 1-based): chr10:86,668,637, C>A. VCF-style: chr10-86668637-C-A. GRCh37 (hg19) VCF-style: chr10-88428394-C-A.
Other names: c.-55C>A (NM_001080116.1); c.-23-32C>A (NM_001368064.1, NM_001368063.1, NM_001368068.1 and 7 more transcripts).
Identifiers: ClinVar variation 301331 (VCV000301331.37), dbSNP rs34972863, ClinGen allele CA10636681.
Genomic context (GRCh38, chr10:86,668,637, plus strand): 5'-CTGGGGGTCAGGGGCAGGGGCAGAGGTGTGGACCGGGCAGGCGGAGTGCCTGAGTGCCCT[C>A]TCACTCAACCCTCTCTACCCTTTGTCTGCAGAGGCGGCCGCTGACAGCACCAGCATGTCT-3'